The following is an entry in ClinVar:

ClinVar aggregate classification (germline): Uncertain significance. Review status: criteria provided, multiple submitters, no conflicts (2 of 4 stars). 4 submissions from 4 submitters: Uncertain significance (4). Last evaluated 2022-02-01.

Conditions:
Deficiency of butyryl-CoA dehydrogenase (ACADSD). Also called: ACADS DEFICIENCY; SCAD DEFICIENCY, MILD; ACYL-CoA DEHYDROGENASE, SHORT-CHAIN, DEFICIENCY OF; SCADH DEFICIENCY; Short-Chain Acyl-CoA Dehydrogenase Deficiency; SCAD Deficiency. Identifiers: Orphanet 26792, MedGen C0342783, MONDO:0008722, OMIM 201470. Disease mechanism: May be benign.

Allele frequency attached by ClinVar (database versions not stated): ExAC 0.00001; gnomAD exomes 0.00001 and 0.00002; TOPMed 0.00001.

Submissions (4):

Labcorp Genetics (formerly Invitae), Labcorp
Classification: Uncertain significance for Deficiency of butyryl-CoA dehydrogenase. Last evaluated: 2022-02-01. Review status: criteria provided, single submitter. Criteria: Invitae Variant Classification Sherloc (09022015). Collection method: clinical testing. Allele origin: germline.
Comment: This sequence change replaces serine, which is neutral and polar, with glycine, which is neutral and non-polar, at codon 161 of the ACADS protein (p.Ser161Gly). This variant is present in population databases (rs755856935, gnomAD 0.003%). This variant has not been reported in the literature in individuals affected with ACADS-related conditions. ClinVar contains an entry for this variant (Variation ID: 203553). Algorithms developed to predict the effect of missense changes on protein structure and function are either unavailable or do not agree on the potential impact of this missense change (SIFT: "Deleterious"; PolyPhen-2: "Benign"; Align-GVGD: "Class C55"). In summary, the available evidence is currently insufficient to determine the role of this variant in disease. Therefore, it has been classified as a Variant of Uncertain Significance.

Genome-Nilou Lab
Classification: Uncertain significance for Deficiency of butyryl-CoA dehydrogenase. Last evaluated: 2021-11-07. Review status: criteria provided, single submitter. Criteria: ACMG Guidelines, 2015. Collection method: clinical testing. Allele origin: germline. Affected: no.

Fulgent Genetics
Classification: Uncertain significance for Deficiency of butyryl-CoA dehydrogenase. Last evaluated: 2021-09-10. Review status: criteria provided, single submitter. Criteria: ACMG Guidelines, 2015. Collection method: clinical testing. Allele origin: unknown.

GeneDx
Classification: Uncertain significance. Last evaluated: 2016-07-27. Review status: criteria provided, single submitter. Criteria: GeneDx Variant Classification (06012015). Collection method: clinical testing. Allele origin: germline. Affected: yes.
Comment: The S161G variant has been reported in a symptomatic patient with SCAD deficiency (Gregersen et al. 2008). The S161G variant was not observed in approximately 6500 individuals of European and African American ancestry in the NHLBI Exome Sequencing Project, indicating it is not a common benign variant in these populations. The S161G variant is a non-conservative amino acid substitution, which is likely to impact secondary protein structure as these residues differ in polarity, charge, size and/or other properties. This substitution occurs at a position that is conserved across species. In silico analysis predicts this variant is probably damaging to the protein structure/function. In summary, based on the currently available information, it is unclear whether the S161G variant is a pathogenic variant or a rare benign variant.

NM_000017.4(ACADS):c.481A>G (p.Ser161Gly)

Gene: ACADS (acyl-CoA dehydrogenase short chain; plus strand). Cytogenetic location: 12q24.31.
Variant type: single nucleotide variant.
Coding change: c.481A>G on transcript NM_000017.4 (MANE Select); coding-DNA position 481, A replaced by G.
Protein change: p.Ser161Gly; replaces serine 161 with glycine.
Molecular consequence: missense variant. On other transcripts: intron variant (1).
Genome position (GRCh38, 1-based): chr12:120,737,845, A>G. VCF-style: chr12-120737845-A-G. GRCh37 (hg19) VCF-style: chr12-121175648-A-G.
Other names: p.S161G:AGT>GGT; c.473-204A>G (NM_001302554.2); short protein forms S161G.
Identifiers: ClinVar variation 203553 (VCV000203553.11), dbSNP rs755856935, ClinGen allele CA312212.